The following is an entry in ClinVar:

ClinVar aggregate classification (germline): Uncertain significance (1 of 4 stars; one submission).

Submission:

Labcorp Genetics (formerly Invitae), Labcorp
Classification: Uncertain significance. Last evaluated: 2025-06-01. Review status: criteria provided, single submitter. Criteria: Invitae Variant Classification Sherloc (09022015). Collection method: clinical testing. Allele origin: germline.
Comment: This sequence change replaces tyrosine, which is neutral and polar, with cysteine, which is neutral and slightly polar, at codon 188 of the SPPL2A protein (p.Tyr188Cys). This variant is present in population databases (no rsID available, gnomAD 0.0009%). This variant has not been reported in the literature in individuals affected with SPPL2A-related conditions. An algorithm developed to predict the effect of missense changes on protein structure and function (PolyPhen-2) suggests that this variant is likely to be disruptive. In summary, the available evidence is currently insufficient to determine the role of this variant in disease. Therefore, it has been classified as a Variant of Uncertain Significance.

NM_032802.4(SPPL2A):c.563A>G (p.Tyr188Cys)

Gene: SPPL2A (signal peptide peptidase like 2A; minus strand). Cytogenetic location: 15q21.2.
Variant type: single nucleotide variant.
Coding change: c.563A>G on transcript NM_032802.4 (MANE Select); coding-DNA position 563, A replaced by G.
Protein change: p.Tyr188Cys; replaces tyrosine 188 with cysteine.
Molecular consequence: missense variant.
Genome position (GRCh38, 1-based): chr15:50,747,516, T>C on the plus strand (A>G on the coding strand, the complement: SPPL2A is on the minus strand). VCF-style: chr15-50747516-T-C. GRCh37 (hg19) VCF-style: chr15-51039713-T-C.
Other names: c.563A>G, p.Tyr188Cys (NM_001438111.1, NM_001438112.1); short protein forms Y188C.
Identifiers: ClinVar variation 4692393 (VCV004692393.1).